The following is an entry in ClinVar:

ClinVar aggregate classification (germline): Uncertain significance (1 of 4 stars; one submission).

gnomAD v4.1: 3 of 1,340,576 alleles (0.00022%); highest among the groups gnomAD compares: East Asian, 0.0031%; no homozygotes.

Submission:

GeneDx
Classification: Uncertain significance. Last evaluated: 2024-08-28. Review status: criteria provided, single submitter. Criteria: GeneDx Variant Classification Process June 2021. Collection method: clinical testing. Allele origin: germline. Affected: yes.
Comment: Has not been previously published as pathogenic or benign to our knowledge; Not observed at significant frequency in large population cohorts (gnomAD); In silico analysis indicates that this missense variant does not alter protein structure/function.

NM_003718.5(CDK13):c.257C>G (p.Pro86Arg)

Genes: CDK13 (cyclin dependent kinase 13; plus strand), LOC129998292 (ATAC-STARR-seq lymphoblastoid silent region 18115; plus strand). Cytogenetic location: 7p14.1.
Variant type: single nucleotide variant.
Coding change: c.257C>G on transcript NM_003718.5 (MANE Select); coding-DNA position 257, C replaced by G.
Protein change: p.Pro86Arg; replaces proline 86 with arginine.
Molecular consequence: missense variant.
Genome position (GRCh38, 1-based): chr7:39,950,898, C>G. VCF-style: chr7-39950898-C-G. GRCh37 (hg19) VCF-style: chr7-39990497-C-G.
Other names: c.257C>G, p.Pro86Arg (NM_031267.4); short protein forms P86R.
Identifiers: ClinVar variation 3766085 (VCV003766085.1).
Genomic context (GRCh38, chr7:39,950,898, plus strand): 5'-CGGCCGCCGCCGCAGCCGCCGCCGCCGCGGCCTCCTCCTCTTGCTTCAGCCCGGGCCCCC[C>G]TCTGGAGGTCAAGCGGCTGGCGAGAGGCAAGAGGCGCGCAGGAGGGCGGCAGAAGCGGCG-3'
Protein context (NP_003709.3, residues 76-96): ASSSCFSPGP[Pro86Arg]LEVKRLARGK